The following is an entry in ClinVar:

NM_139058.3(ARX):c.80A>C (p.Tyr27Ser)

Gene: ARX (aristaless related homeobox; minus strand). Cytogenetic location: Xp21.3.
Variant type: single nucleotide variant.
Coding change: c.80A>C on transcript NM_139058.3 (MANE Select); coding-DNA position 80, A replaced by C.
Protein change: p.Tyr27Ser; replaces tyrosine 27 with serine.
Molecular consequence: missense variant.
Genome position (GRCh38, 1-based): chrX:25,015,658, T>G on the plus strand (A>C on the coding strand, the complement: ARX is on the minus strand). VCF-style: chrX-25015658-T-G. GRCh37 (hg19) VCF-style: chrX-25033775-T-G.
Other names: short protein forms Y27S.
Identifiers: ClinVar variation 1031154 (VCV001031154.1), dbSNP rs2048724116, ClinGen allele CA412613941.

ClinVar aggregate classification (germline): Uncertain significance (1 of 4 stars; one submission).

Conditions:
Developmental and epileptic encephalopathy, 1 (DEE1). Also called: X-linked infantile spasms; West's syndrome; Tonic spasms with clustering, arrest of psychomotor development and hypsarrhythmia on EEG; X-Linked Infantile Spasm Syndrome; OHTAHARA SYNDROME, X-LINKED; Epileptic encephalopathy, early infantile, 1. Identifiers: MedGen C3463992, MONDO:0010632, OMIM 308350. Disease mechanism: loss of function.

Submission:

Baylor Genetics
Classification: Uncertain significance for Developmental and epileptic encephalopathy, 1. Last evaluated: 2020-10-09. Review status: criteria provided, single submitter. Criteria: ACMG Guidelines, 2015. Collection method: clinical testing. Allele origin: unknown. Affected: yes.
Comment: This variant was determined to be of uncertain significance according to ACMG Guidelines, 2015 [PMID:25741868].